The following is an entry in ClinVar:

ClinVar aggregate classification (germline): Likely benign. Review status: criteria provided, multiple submitters, no conflicts (2 of 4 stars). 3 submissions from 3 submitters: Likely benign (2). 1 of the submissions does not count toward it. Last evaluated 2026-01-21.

Conditions:
WDR62-related disorder. Also called: WDR62-related condition.

Allele frequency attached by ClinVar (database versions not stated): gnomAD exomes 0.00003 and 0.00008; ExAC 0.00014; TOPMed 0.00019; gnomAD 0.00021 and 0.00023; ESP Exome Variant Server 0.00023.
gnomAD v4.1: 77 of 1,612,776 alleles (0.0048%); highest among the groups gnomAD compares: African/African-American, 0.057%; no homozygotes.

Submissions (3):

Labcorp Genetics (formerly Invitae), Labcorp
Classification: Likely benign. Last evaluated: 2026-01-21. Review status: criteria provided, single submitter. Criteria: Invitae Variant Classification Sherloc (09022015). Collection method: clinical testing. Allele origin: germline.

Mayo Clinic Laboratories, Mayo Clinic
Classification: Likely benign. Last evaluated: 2025-04-05. Review status: criteria provided, single submitter. Criteria: ACMG Guidelines, 2015. Collection method: clinical testing. Allele origin: germline. Observed: 2 variant alleles.
Comment: BP4, BP7

PreventionGenetics, part of Exact Sciences
Classification: Likely benign for WDR62-related condition. Last evaluated: 2022-11-10. Review status: no assertion criteria provided. Collection method: clinical testing. Allele origin: germline. Not counted in ClinVar's aggregate classification.
Comment: This variant is classified as likely benign based on ACMG/AMP sequence variant interpretation guidelines (Richards et al. 2015 PMID: 25741868, with internal and published modifications).

NM_001083961.2(WDR62):c.1392C>T (p.Tyr464=)

Gene: WDR62 (WD repeat domain 62; plus strand). Cytogenetic location: 19q13.12.
Variant type: single nucleotide variant.
Coding change: c.1392C>T on transcript NM_001083961.2 (MANE Select); coding-DNA position 1392, C replaced by T.
Protein change: p.Tyr464=; no amino-acid change (tyrosine 464 retained).
Molecular consequence: synonymous variant.
Genome position (GRCh38, 1-based): chr19:36,083,083, C>T. VCF-style: chr19-36083083-C-T. GRCh37 (hg19) VCF-style: chr19-36573985-C-T.
Other names: p.Tyr464=; c.1392C>T, p.Tyr464= (NM_173636.5); c.1392C>T (NM_001083961.1).
Identifiers: ClinVar variation 1567855 (VCV001567855.11), dbSNP rs151063285, ClinGen allele CA9395597.